The following is an entry in ClinVar:

ClinVar aggregate classification (germline): Uncertain significance (1 of 4 stars; one submission).

Allele frequency attached by ClinVar (database versions not stated): gnomAD exomes below 0.00001; TOPMed 0.00001.
gnomAD v4.1: 1 of 1,612,882 alleles (0.000062%); highest among the groups gnomAD compares: Non-Finnish European, 0.000085%; no homozygotes.

Submission:

Labcorp Genetics (formerly Invitae), Labcorp
Classification: Uncertain significance. Last evaluated: 2022-11-28. Review status: criteria provided, single submitter. Criteria: Invitae Variant Classification Sherloc (09022015). Collection method: clinical testing. Allele origin: germline.
Comment: This sequence change falls in intron 23 of the COL11A2 gene. It does not directly change the encoded amino acid sequence of the COL11A2 protein. It affects a nucleotide within the consensus splice site. This variant is present in population databases (no rsID available, gnomAD 0.0009%). This variant has not been reported in the literature in individuals affected with COL11A2-related conditions. Variants that disrupt the consensus splice site are a relatively common cause of aberrant splicing (PMID: 17576681, 9536098). Algorithms developed to predict the effect of sequence changes on RNA splicing suggest that this variant is not likely to affect RNA splicing. In summary, the available evidence is currently insufficient to determine the role of this variant in disease. Therefore, it has been classified as a Variant of Uncertain Significance.

Literature cited by the submitters: PubMed 17576681; PubMed 9536098.

NM_080680.3(COL11A2):c.1971+3G>A

Gene: COL11A2 (collagen type XI alpha 2 chain; minus strand). Cytogenetic location: 6p21.32.
Variant type: single nucleotide variant.
Coding change: c.1971+3G>A on transcript NM_080680.3 (MANE Select); 3 bases into the intron after coding-DNA position 1971, G replaced by A.
Molecular consequence: intron variant.
Genome position (GRCh38, 1-based): chr6:33,177,409, C>T on the plus strand (G>A on the coding strand, the complement: COL11A2 is on the minus strand). VCF-style: chr6-33177409-C-T. GRCh37 (hg19) VCF-style: chr6-33145186-C-T.
Other names: c.945+3G>A (NM_001424111.1, NM_001424110.1); c.1650+3G>A (NM_080679.3); c.1713+3G>A (NM_080681.3); c.1791+3G>A (NM_001424108.1); c.1125+3G>A (NM_001424109.1); c.-76+3G>A (NM_001424112.1).
Identifiers: ClinVar variation 2908554 (VCV002908554.3), dbSNP rs1269870565, ClinGen allele CA566429825.